The following is an entry in ClinVar:

NM_000260.4(MYO7A):c.2838del (p.Met946fs)

Gene: MYO7A (myosin VIIA; plus strand). Cytogenetic location: 11q13.5.
Variant type: Deletion.
Coding change: c.2838del on transcript NM_000260.4 (MANE Select); coding-DNA position 2838, one base deleted (G; older notation c.2838delG).
Protein change: p.Met946fs; shifts the reading frame from methionine 946.
Molecular consequence: frameshift variant.
Genome position (GRCh38, 1-based): chr11:77,181,523, G deleted. VCF-style (leftmost placement, unchanged base first): chr11-77181522-TG-T. GRCh37 (hg19) VCF-style: chr11-76892568-TG-T.
Other names: c.2838del, p.Met946fs (NM_001127180.2); c.2805del, p.Met935fs (NM_001369365.1); c.2838delG (NM_000260.3); short protein forms M935fs, M946fs.
Identifiers: ClinVar variation 862312 (VCV000862312.10), dbSNP rs782636104, ClinGen allele CA6197942.

ClinVar aggregate classification (germline): Pathogenic/Likely pathogenic. Review status: criteria provided, multiple submitters, no conflicts (2 of 4 stars). 3 submissions from 3 submitters: Pathogenic (1); Likely pathogenic (1). 1 of the submissions does not count toward it. Last evaluated 2023-07-27.

Conditions:
MYO7A-related disorder. Also called: MYO7A-related disorders.

Allele frequency attached by ClinVar (database versions not stated): gnomAD exomes below 0.00001; TOPMed below 0.00001; ExAC 0.00001; gnomAD 0.00001.

Submissions (3):

GeneDx
Classification: Likely pathogenic. Last evaluated: 2023-07-27. Review status: criteria provided, single submitter. Criteria: GeneDx Variant Classification Process June 2021. Collection method: clinical testing. Allele origin: germline. Affected: yes.
Comment: Frameshift variant predicted to result in protein truncation or nonsense mediated decay in a gene for which loss of function is a known mechanism of disease; Not observed at significant frequency in large population cohorts (gnomAD); Reported as a variant associated with Usher syndrome without further details provided (Hanany et al., 2020); This variant is associated with the following publications: (PMID: 31964843)

Labcorp Genetics (formerly Invitae), Labcorp
Classification: Pathogenic. Last evaluated: 2022-08-16. Review status: criteria provided, single submitter. Criteria: Invitae Variant Classification Sherloc (09022015). Collection method: clinical testing. Allele origin: germline.
Comment: This variant is present in population databases (rs782636104, gnomAD 0.0009%). This variant has not been reported in the literature in individuals affected with MYO7A-related conditions. ClinVar contains an entry for this variant (Variation ID: 862312). For these reasons, this variant has been classified as Pathogenic. This sequence change creates a premature translational stop signal (p.Met946Ilefs*116) in the MYO7A gene. It is expected to result in an absent or disrupted protein product. Loss-of-function variants in MYO7A are known to be pathogenic (PMID: 8900236, 25404053).

PreventionGenetics, part of Exact Sciences
Classification: Likely pathogenic for MYO7A-related condition. Last evaluated: 2024-08-19. Review status: no assertion criteria provided. Collection method: clinical testing. Allele origin: germline. Not counted in ClinVar's aggregate classification.
Comment: The MYO7A c.2838delG variant is predicted to result in a frameshift and premature protein termination (p.Met946Ilefs*116). To our knowledge, this variant has not been reported in the literature. This variant is reported in 0.00089% of alleles in individuals of European (Non-Finnish) descent in gnomAD. Frameshift variants in MYO7A are expected to be pathogenic. This variant is interpreted as likely pathogenic.

Literature cited by the submitters: PubMed 8900236 (cited by Labcorp Genetics (formerly Invitae), Labcorp); PubMed 25404053 (cited by Labcorp Genetics (formerly Invitae), Labcorp).